The following is an entry in ClinVar:

NC_000013.11:g.48303702T>G

Genes: RB1 (RB transcriptional corepressor 1; plus strand), RB1-DT (RB1 divergent transcript; minus strand). Cytogenetic location: 13q14.2.
Variant type: single nucleotide variant.
Molecular consequence: non-coding transcript variant (on NR_046414.2).
Genome position: GRCh38 VCF-style: chr13-48303702-T-G. GRCh37 (hg19) VCF-style: chr13-48877838-T-G.
Identifiers: ClinVar variation 3690306 (VCV003690306.2).

ClinVar aggregate classification (germline): Uncertain significance (1 of 4 stars; one submission).

Conditions:
Retinoblastoma (RB1). Also called: RETINOBLASTOMA, SOMATIC. Identifiers: Orphanet 790, MedGen C0035335, MeSH D012175, MONDO:0008380, OMIM 180200, HP:0009919. Disease mechanism: loss of function. Inheritance: Both sporadic and heritable forms are tested..

Submission:

Labcorp Genetics (formerly Invitae), Labcorp
Classification: Uncertain significance for Retinoblastoma. Last evaluated: 2024-07-21. Review status: criteria provided, single submitter. Criteria: Invitae Variant Classification Sherloc (09022015). Collection method: clinical testing. Allele origin: germline.
Comment: This variant occurs in a non-coding region of the RB1 gene. It does not change the encoded amino acid sequence of the RB1 protein. This variant is present in population databases (no rsID available, gnomAD 0.1%). This variant has not been reported in the literature in individuals affected with RB1-related conditions. Experimental studies and prediction algorithms are not available or were not evaluated, and the functional significance of this variant is currently unknown. In summary, the available evidence is currently insufficient to determine the role of this variant in disease. Therefore, it has been classified as a Variant of Uncertain Significance.